The following is an entry in ClinVar:

ClinVar aggregate classification (germline): Uncertain significance (1 of 4 stars; one submission).

Conditions:
Hereditary cancer-predisposing syndrome. Also called: Hereditary Cancer Syndrome; Neoplastic Syndromes, Hereditary; Tumor predisposition; Hereditary neoplastic syndrome. Identifiers: Orphanet 140162, MedGen C0027672, MeSH D009386, MONDO:0015356.

Submission:

Ambry Genetics
Classification: Uncertain significance for Hereditary cancer-predisposing syndrome. Last evaluated: 2022-03-01. Review status: criteria provided, single submitter. Criteria: Ambry Variant Classification Scheme 2023. Collection method: clinical testing. Allele origin: germline.
Comment: The p.D1802Y variant (also known as c.5404G>T), located in coding exon 41 of the TSC2 gene, results from a G to T substitution at nucleotide position 5404. The aspartic acid at codon 1802 is replaced by tyrosine, an amino acid with highly dissimilar properties. This amino acid position is conserved. In addition, this alteration is predicted to be deleterious by in silico analysis. Since supporting evidence is limited at this time, the clinical significance of this alteration remains unclear.

NM_000548.5(TSC2):c.5404G>T (p.Asp1802Tyr)

Gene: TSC2 (TSC complex subunit 2; plus strand). Cytogenetic location: 16p13.3.
Variant type: single nucleotide variant.
Coding change: c.5404G>T on transcript NM_000548.5 (MANE Select); coding-DNA position 5404, G replaced by T.
Protein change: p.Asp1802Tyr; replaces aspartic acid 1802 with tyrosine.
Molecular consequence: missense variant.
Genome position (GRCh38, 1-based): chr16:2,088,590, G>T. VCF-style: chr16-2088590-G-T. GRCh37 (hg19) VCF-style: chr16-2138591-G-T.
Other names: c.5272G>T, p.Asp1758Tyr (NM_001370404.1); c.5263G>T, p.Asp1755Tyr (NM_001370405.1); c.5332G>T, p.Asp1778Tyr (NM_001406664.1); c.5401G>T, p.Asp1801Tyr (NM_001406663.1); c.5206G>T, p.Asp1736Tyr (NM_001363528.2); c.5203G>T, p.Asp1735Tyr (NM_001077183.3); c.5335G>T, p.Asp1779Tyr (NM_001114382.3); c.5095G>T, p.Asp1699Tyr (NM_001318827.2); and 27 more; short protein forms D1201Y, D1288Y, D1310Y, D1578Y, D1582Y, D1729Y, D1731Y, D1735Y.
Identifiers: ClinVar variation 1747325 (VCV001747325.2), dbSNP rs1596464614, ClinGen allele CA394316187.